The following is an entry in ClinVar:

ClinVar aggregate classification (germline): Uncertain significance. Review status: criteria provided, single submitter (1 of 4 stars). 2 submissions from 2 submitters: Uncertain significance (1). 1 of the submissions does not count toward it. Last evaluated 2018-04-17.

Conditions:
Neuromuscular disease caused by qualitative or quantitative defects of dysferlin. Also called: Qualitative or quantitative defects of dysferlin; Dysferlinopathy. Identifiers: Orphanet 207073, MedGen C2931687, MONDO:0016145.
Autosomal recessive limb-girdle muscular dystrophy type 2B (LGMDR2). Also called: Limb-girdle muscular dystrophy, type 2B; Limb-Girdle Muscular Dystrophy Type 2B (LGMD2B); MUSCULAR DYSTROPHY, LIMB-GIRDLE, TYPE 3; MUSCULAR DYSTROPHY, LIMB-GIRDLE, AUTOSOMAL RECESSIVE 2. Identifiers: Orphanet 268, MedGen C1850889, MONDO:0009676, OMIM 253601.

Allele frequency attached by ClinVar (database versions not stated): ExAC 0.00002.
gnomAD v4.1: 4 of 1,614,168 alleles (0.00025%); highest among the groups gnomAD compares: South Asian, 0.0033%; no homozygotes.

Submissions (2):

Labcorp Genetics (formerly Invitae), Labcorp
Classification: Uncertain significance for Neuromuscular disease caused by qualitative or quantitative defects of dysferlin. Last evaluated: 2018-04-17. Review status: criteria provided, single submitter. Criteria: Invitae Variant Classification Sherloc (09022015). Collection method: clinical testing. Allele origin: germline.
Comment: In summary, the available evidence is currently insufficient to determine the role of this variant in disease. Therefore, it has been classified as a Variant of Uncertain Significance. Algorithms developed to predict the effect of missense changes on protein structure and function (SIFT, PolyPhen-2, Align-GVGD) all suggest that this variant is likely to be tolerated, but these predictions have not been confirmed by published functional studies and their clinical significance is uncertain. This variant has not been reported in the literature in individuals with DYSF-related disease. This variant is present in population databases (rs759455142, ExAC 0.02%). This sequence change replaces alanine with serine at codon 182 of the DYSF protein (p.Ala182Ser). The alanine residue is weakly conserved and there is a moderate physicochemical difference between alanine and serine.

Natera, Inc.
Classification: Uncertain significance for Limb-girdle muscular dystrophy type 2B. Last evaluated: 2019-11-11. Review status: no assertion criteria provided. Collection method: clinical testing. Allele origin: germline. Not counted in ClinVar's aggregate classification.

NM_001130987.2(DYSF):c.640G>T (p.Ala214Ser)

Gene: DYSF (dysferlin; plus strand). Cytogenetic location: 2p13.2.
Variant type: single nucleotide variant.
Coding change: c.640G>T on transcript NM_001130987.2 (MANE Select); coding-DNA position 640, G replaced by T.
Protein change: p.Ala214Ser; replaces alanine 214 with serine.
Molecular consequence: missense variant.
Genome position (GRCh38, 1-based): chr2:71,513,802, G>T. VCF-style: chr2-71513802-G-T. GRCh37 (hg19) VCF-style: chr2-71740932-G-T.
Other names: c.547G>T, p.Ala183Ser (NM_001130455.2, NM_001130983.2, NM_001130984.2 and 1 more transcripts); c.544G>T, p.Ala182Ser (NM_001130976.2, NM_001130977.2, NM_001130978.2 and 1 more transcripts); c.637G>T, p.Ala213Ser (NM_001130979.2, NM_001130980.2, NM_001130981.2); c.640G>T, p.Ala214Ser (NM_001130982.2, NM_001130985.2); short protein forms A182S, A214S, A213S, A183S.
Identifiers: ClinVar variation 571358 (VCV000571358.10), dbSNP rs759455142, ClinGen allele CA1705403.